The following is an entry in ClinVar:

ClinVar aggregate classification (germline): Uncertain significance. Review status: criteria provided, multiple submitters, no conflicts (2 of 4 stars). 2 submissions from 2 submitters: Uncertain significance (2). Last evaluated 2025-06-30.

Conditions:
Malignant hyperthermia, susceptibility to, 1 (MHS1). Also called: Anesthesia related hyperthermia; Malignant hyperpyrexia; Fulminating hyperpyrexia; Pharmacogenic myopathy; RYR1-Related Malignant Hyperthermia Susceptibility; Malignant hyperthermia suceptibility 1. Identifiers: Orphanet 423, MedGen C2930980, MONDO:0007783, OMIM 145600.

gnomAD v4.1: 15 of 1,614,194 alleles (0.00093%); highest among the groups gnomAD compares: Non-Finnish European, 0.0013%; no homozygotes.

Submissions (2):

Color Diagnostics, LLC DBA Color Health
Classification: Uncertain significance for Malignant hyperthermia, susceptibility to, 1. Last evaluated: 2025-06-30. Review status: criteria provided, single submitter. Criteria: ACMG Guidelines, 2015. Collection method: clinical testing. Allele origin: germline.
Comment: This missense variant replaces glutamic acid with lysine at codon 3035 of the RYR1 protein. Computational prediction is inconclusive regarding the impact of this variant on protein structure and function. To our knowledge, functional studies have not been reported for this variant. This variant has not been reported in individuals affected with RYR1-related disorders in the literature. This variant has not been identified in the general population by the Genome Aggregation Database (gnomAD). The available evidence is insufficient to determine the role of this variant in disease conclusively. Therefore, this variant is classified as a Variant of Uncertain Significance.

All of Us Research Program, National Institutes of Health
Classification: Uncertain significance for Malignant hyperthermia, susceptibility to, 1. Last evaluated: 2023-06-28. Review status: criteria provided, single submitter. Criteria: ACMG Guidelines, 2015. Collection method: clinical testing. Allele origin: germline. Inheritance: Autosomal dominant inheritance. Observed: 1 variant allele, 1 heterozygote.
Comment: This study involves interpretation of variants in research participants for the purpose of population health screening. Participant phenotype was not available at the time of variant classification. Additional details can be found in publication PMID: 35346344, PMCID: PMC8962531

NM_000540.3(RYR1):c.9103G>A (p.Glu3035Lys)

Gene: RYR1 (ryanodine receptor 1; plus strand). Cytogenetic location: 19q13.2.
Variant type: single nucleotide variant.
Coding change: c.9103G>A on transcript NM_000540.3 (MANE Select); coding-DNA position 9103, G replaced by A.
Protein change: p.Glu3035Lys; replaces glutamic acid 3035 with lysine.
Molecular consequence: missense variant.
Genome position (GRCh38, 1-based): chr19:38,510,762, G>A. VCF-style: chr19-38510762-G-A. GRCh37 (hg19) VCF-style: chr19-39001402-G-A.
Other names: c.9103G>A, p.Glu3035Lys (NM_001042723.2); short protein forms E3035K.
Identifiers: ClinVar variation 3072073 (VCV003072073.2), dbSNP rs1053579438, ClinGen allele CA405683987.